The following is an entry in ClinVar:

NM_001318852.2(MAPK8IP3):c.2122-1G>A

Gene: MAPK8IP3 (mitogen-activated protein kinase 8 interacting protein 3; plus strand). Cytogenetic location: 16p13.3.
Variant type: single nucleotide variant.
Coding change: c.2122-1G>A on transcript NM_001318852.2 (MANE Select); the canonical splice acceptor site of the intron before coding-DNA position 2122, G replaced by A.
Molecular consequence: splice acceptor variant.
Genome position (GRCh38, 1-based): chr16:1,764,300, G>A. VCF-style: chr16-1764300-G-A. GRCh37 (hg19) VCF-style: chr16-1814301-G-A.
Other names: c.2119-1G>A (NM_015133.5); c.2101-1G>A (NM_001040439.2).
Identifiers: ClinVar variation 3256795 (VCV003256795.1).

ClinVar aggregate classification (germline): Likely pathogenic (0 of 4 stars; one submission).

Conditions:
Neurodevelopmental disorder with or without variable brain abnormalities; NEDBA. Also called: NEURODEVELOPMENTAL DISORDER WITH OR WITHOUT VARIABLE BRAIN ABNORMALITIES. Identifiers: MedGen C5193102, MONDO:0032755, OMIM 618443.

Submission:

Solve-RD Consortium
Classification: Likely pathogenic for Neurodevelopmental disorder with or without variable brain abnormalities; NEDBA. Last evaluated: 2022-06-01. Review status: no assertion criteria provided. Collection method: provider interpretation. Allele origin: inherited. Affected: yes.
Comment: Variant confirmed as disease-causing by referring clinical team

Variant identified during reanalysis of unsolved cases by the Solve-RD project. The Solve-RD project has received funding from the European Union’s Horizon 2020 research and innovation programme under grant agreement No 779257.

Literature cited by the submitters: PubMed 39825153.